The following is an entry in ClinVar:

ClinVar aggregate classification (germline): Likely benign. Review status: criteria provided, multiple submitters, no conflicts (2 of 4 stars). 3 submissions from 3 submitters: Likely benign (2). 1 of the submissions does not count toward it. Last evaluated 2025-12-17.

Conditions:
Malignant tumor of breast. Also called: Malignant breast neoplasm; Cancer breast. Identifiers: MedGen C0006142, MONDO:0007254. Disease mechanism: loss of function.
Ataxia-telangiectasia syndrome (AT). Also called: Ataxia-telangiectasia, complementation group E; Cerebello-oculocutaneous telangiectasia; Immunodeficiency with ataxia telangiectasia; Ataxia telangiectasia (A-T); LOUIS-BAR SYNDROME; ATAXIA-TELANGIECTASIA, COMPLEMENTATION GROUP A. Identifiers: Orphanet 100, MedGen C0004135, MONDO:0008840, OMIM 208900.

Allele frequency attached by ClinVar (database versions not stated): gnomAD exomes 0.00001; ExAC 0.00003.
gnomAD v4.1: 2 of 1,444,750 alleles (0.00014%); highest among the groups gnomAD compares: East Asian, 0.0046%; no homozygotes.

Submissions (3):

Labcorp Genetics (formerly Invitae), Labcorp
Classification: Likely benign for Ataxia-telangiectasia syndrome. Last evaluated: 2025-12-17. Review status: criteria provided, single submitter. Criteria: Invitae Variant Classification Sherloc (09022015). Collection method: clinical testing. Allele origin: germline.

Blueprint Genetics
Classification: Likely benign. Last evaluated: 2024-05-06. Review status: criteria provided, single submitter. Criteria: ACMG Guidelines, 2015. Collection method: clinical testing. Allele origin: germline.

Department of Pathology and Laboratory Medicine, Sinai Health System
Classification: Uncertain significance for Malignant tumor of breast. Review status: no assertion criteria provided. Collection method: clinical testing. Allele origin: unknown. Affected: yes. Observed: 1 variant allele. Study: The Canadian Open Genetics Repository (COGR). Not counted in ClinVar's aggregate classification.
Comment: The ATM c.3746+12C>A variant was not identified in the literature nor was it identified in the ClinVar, or LOVD 3.0 databases. The variant was also identified in dbSNP (ID: rs768841674).The variant was identified in control databases in 3 of 227744 chromosomes at a frequency of 0.00001 (Genome Aggregation Database Feb 27, 2017). The variant was observed in the East Asian population in 3 of 16038 chromosomes (freq: 0.0002), while the variant was not observed in the African, Other, Latino, European, Ashkenazi Jewish, Finnish, and South Asian populations. The variant occurs outside of the splicing consensus sequence and 1 of 4 in silico or computational prediction software programs (SpliceSiteFinder, MaxEntScan, NNSPLICE, GeneSplicer) predict a greater than 10% difference in splicing; this is not very predictive of pathogenicity. In summary, based on the above information the clinical significance of this variant cannot be determined with certainty at this time. This variant is classified as a variant of uncertain significance.

NM_000051.4(ATM):c.3746+12C>A

Gene: ATM (ATM serine/threonine kinase; plus strand). Cytogenetic location: 11q22.3.
Variant type: single nucleotide variant.
Coding change: c.3746+12C>A on transcript NM_000051.4 (MANE Select); 12 bases into the intron after coding-DNA position 3746, C replaced by A.
Molecular consequence: intron variant.
Genome position (GRCh38, 1-based): chr11:108,282,891, C>A. VCF-style: chr11-108282891-C-A. GRCh37 (hg19) VCF-style: chr11-108153618-C-A.
Other names: c.3746+12C>A (NM_001351834.2).
Identifiers: ClinVar variation 1050423 (VCV001050423.8), dbSNP rs768841674, ClinGen allele CA6265339.